The following is an entry in ClinVar:

ClinVar aggregate classification (germline): Uncertain significance (1 of 4 stars; one submission).

gnomAD v4.1: 1 of 1,613,778 alleles (0.000062%); highest among the groups gnomAD compares: Non-Finnish European, 0.000085%; no homozygotes.

Submission:

Labcorp Genetics (formerly Invitae), Labcorp
Classification: Uncertain significance. Last evaluated: 2025-04-20. Review status: criteria provided, single submitter. Criteria: Invitae Variant Classification Sherloc (09022015). Collection method: clinical testing. Allele origin: germline.
Comment: This sequence change replaces methionine, which is neutral and non-polar, with isoleucine, which is neutral and non-polar, at codon 427 of the ETV6 protein (p.Met427Ile). This variant is not present in population databases (gnomAD no frequency). This variant has not been reported in the literature in individuals affected with ETV6-related conditions. Invitae Evidence Modeling of protein sequence and biophysical properties (such as structural, functional, and spatial information, amino acid conservation, physicochemical variation, residue mobility, and thermodynamic stability) indicates that this missense variant is not expected to disrupt ETV6 protein function with a negative predictive value of 80%. In summary, the available evidence is currently insufficient to determine the role of this variant in disease. Therefore, it has been classified as a Variant of Uncertain Significance.

NM_001987.5(ETV6):c.1281G>C (p.Met427Ile)

Gene: ETV6 (ETS variant transcription factor 6; plus strand). Cytogenetic location: 12p13.2.
Variant type: single nucleotide variant.
Coding change: c.1281G>C on transcript NM_001987.5 (MANE Select); coding-DNA position 1281, G replaced by C.
Protein change: p.Met427Ile; replaces methionine 427 with isoleucine.
Molecular consequence: missense variant. On other transcripts: 3 prime UTR variant (1).
Genome position (GRCh38, 1-based): chr12:11,890,968, G>C. VCF-style: chr12-11890968-G-C. GRCh37 (hg19) VCF-style: chr12-12043902-G-C.
Other names: c.1278G>C, p.Met426Ile (NM_001413913.1); c.1254G>C, p.Met418Ile (NM_001413914.1); c.1017G>C, p.Met339Ile (NM_001413915.1); c.*20G>C (NM_001413917.1); short protein forms M418I, M426I, M427I, M339I.
Identifiers: ClinVar variation 4772441 (VCV004772441.1).